The following is an entry in ClinVar:

ClinVar aggregate classification (germline): Uncertain significance. Review status: criteria provided, multiple submitters, no conflicts (2 of 4 stars). 2 submissions from 2 submitters: Uncertain significance (2). Last evaluated 2024-05-29.

Conditions:
Usher syndrome type 1F (USH1F). Also called: USHER SYNDROME, TYPE IF. Identifiers: Orphanet 231169, Orphanet 886, MedGen C1865885, MONDO:0011186, OMIM 602083.

Allele frequency attached by ClinVar (database versions not stated): gnomAD exomes 0.00002.
gnomAD v4.1: 9 of 1,613,732 alleles (0.00056%); highest among the groups gnomAD compares: East Asian, 0.02%; no homozygotes.

Submissions (2):

GeneDx
Classification: Uncertain significance. Last evaluated: 2024-05-29. Review status: criteria provided, single submitter. Criteria: GeneDx Variant Classification Process June 2021. Collection method: clinical testing. Allele origin: germline. Affected: yes.
Comment: Observed with a second PCDH15 variant in a patient with hearing loss in published literature; this patient had additional neurodevelopmental features proposed to be due to co-occuring variants in a different gene (PMID: 24965255); Not observed at significant frequency in large population cohorts (gnomAD); In silico analysis supports that this missense variant has a deleterious effect on protein structure/function; Also known as p.(Met65Ile) using alternate nomenclature; This variant is associated with the following publications: (PMID: 27058588, 24965255)

Broad Center for Mendelian Genomics, Broad Institute of MIT and Harvard
Classification: Uncertain significance for Usher syndrome type 1F. Last evaluated: 2023-01-24. Review status: criteria provided, single submitter. Criteria: ACMG Guidelines, 2015. Collection method: curation. Allele origin: germline. Inheritance: Autosomal recessive inheritance.
Comment: The p.Met60Ile variant in PCDH15 has been reported in 1 individual with Usher syndrome type 1F (PMID: 24965255) and has been identified in 0.005% (1/18386) of East Asian chromosomes by the Genome Aggregation Database (gnomAD; dbSNP ID: rs1275245579). Although this variant has been seen in the general population in a heterozygous state, its frequency is low enough to be consistent with a recessive carrier frequency. Computational prediction tools and conservation analyses suggest that this variant may impact the protein, though this information is not predictive enough to determine pathogenicity. In summary, the clinical significance of the p.Met60Ile variant is uncertain. ACMG/AMP Criteria applied: PP3, PM2_supporting (Richards 2015).

NM_001384140.1(PCDH15):c.180G>A (p.Met60Ile)

Gene: PCDH15 (protocadherin related 15; minus strand). Cytogenetic location: 10q21.1.
Variant type: single nucleotide variant.
Coding change: c.180G>A on transcript NM_001384140.1 (MANE Select); coding-DNA position 180, G replaced by A.
Protein change: p.Met60Ile; replaces methionine 60 with isoleucine.
Molecular consequence: missense variant.
Genome position (GRCh38, 1-based): chr10:54,378,920, C>T on the plus strand (G>A on the coding strand, the complement: PCDH15 is on the minus strand). VCF-style: chr10-54378920-C-T. GRCh37 (hg19) VCF-style: chr10-56138680-C-T.
Other names: NM_001384140.1:c.180G>A; c.195G>A, p.Met65Ile (NM_001142763.2, NM_001142769.4, NM_001142771.2); c.180G>A, p.Met60Ile (NM_001142764.2, NM_001142765.2, NM_001142766.2 and 8 more transcripts); c.114G>A, p.Met38Ile (NM_001142768.2, NM_001142773.2, NM_001354404.2); short protein forms M60I, M38I, M65I.
Identifiers: ClinVar variation 2412665 (VCV002412665.2), dbSNP rs1275245579, ClinGen allele CA376540700.